The following is an entry in ClinVar:

ClinVar aggregate classification (germline): Uncertain significance (1 of 4 stars; one submission).

gnomAD v4.1: 10 of 1,544,528 alleles (0.00065%); highest among the groups gnomAD compares: Admixed American, 0.002%; no homozygotes.

Submission:

Labcorp Genetics (formerly Invitae), Labcorp
Classification: Uncertain significance. Last evaluated: 2023-05-27. Review status: criteria provided, single submitter. Criteria: Invitae Variant Classification Sherloc (09022015). Collection method: clinical testing. Allele origin: germline.
Comment: This variant is not present in population databases (gnomAD no frequency). This variant has not been reported in the literature in individuals affected with CSF1R-related conditions. Advanced modeling of protein sequence and biophysical properties (such as structural, functional, and spatial information, amino acid conservation, physicochemical variation, residue mobility, and thermodynamic stability) performed at Invitae indicates that this missense variant is not expected to disrupt CSF1R protein function. In summary, the available evidence is currently insufficient to determine the role of this variant in disease. Therefore, it has been classified as a Variant of Uncertain Significance. This sequence change replaces arginine, which is basic and polar, with cysteine, which is neutral and slightly polar, at codon 370 of the CSF1R protein (p.Arg370Cys).

NM_001288705.3(CSF1R):c.1108C>T (p.Arg370Cys)

Gene: CSF1R (colony stimulating factor 1 receptor; minus strand). Cytogenetic location: 5q32.
Variant type: single nucleotide variant.
Coding change: c.1108C>T on transcript NM_001288705.3 (MANE Select); coding-DNA position 1108, C replaced by T.
Protein change: p.Arg370Cys; replaces arginine 370 with cysteine.
Molecular consequence: missense variant. On other transcripts: non-coding transcript variant (2).
Genome position (GRCh38, 1-based): chr5:150,070,546, G>A on the plus strand (C>T on the coding strand, the complement: CSF1R is on the minus strand). VCF-style: chr5-150070546-G-A. GRCh37 (hg19) VCF-style: chr5-149450109-G-A.
Other names: c.1108C>T, p.Arg370Cys (NM_001349736.2, NM_001375320.1, NM_005211.4); c.664C>T, p.Arg222Cys (NM_001375321.1); short protein forms R222C, R370C.
Identifiers: ClinVar variation 2909386 (VCV002909386.3), dbSNP rs1315261761, ClinGen allele CA361722458.